The following is an entry in ClinVar:

ClinVar aggregate classification (germline): Benign (1 of 4 stars; one submission).

Allele frequency attached by ClinVar (database versions not stated): gnomAD 0.03139 and 0.03359; TOPMed 0.03561; 1000 Genomes Project 0.03694; 1000 Genomes Project 30x 0.04029.
gnomAD v4.1: 4,731 of 152,130 alleles (3.1%); highest among the groups gnomAD compares: African/African-American, 11%; 247 homozygotes.

Submission:

GeneDx
Classification: Benign. Last evaluated: 2018-06-14. Review status: criteria provided, single submitter. Criteria: GeneDx Variant Classification (06012015). Collection method: clinical testing. Allele origin: germline. Affected: yes.
Comment: This variant is considered likely benign or benign based on one or more of the following criteria: it is a conservative change, it occurs at a poorly conserved position in the protein, it is predicted to be benign by multiple in silico algorithms, and/or has population frequency not consistent with disease.

NM_032578.4(MYPN):c.3659+268C>T

Gene: MYPN (myopalladin; plus strand). Cytogenetic location: 10q21.3.
Variant type: single nucleotide variant.
Coding change: c.3659+268C>T on transcript NM_032578.4 (MANE Select); 268 bases into the intron after coding-DNA position 3659, C replaced by T.
Molecular consequence: intron variant.
Genome position (GRCh38, 1-based): chr10:68,202,262, C>T. VCF-style: chr10-68202262-C-T. GRCh37 (hg19) VCF-style: chr10-69962019-C-T.
Other names: c.3659+268C>T (NM_001256267.2); c.2777+268C>T (NM_001256268.2).
Identifiers: ClinVar variation 671223 (VCV000671223.1), dbSNP rs114853476, ClinGen allele CA208228376.